The following is an entry in ClinVar:

NM_022455.5(NSD1):c.66A>C (p.Leu22Phe)

Gene: NSD1 (nuclear receptor binding SET domain protein 1; plus strand). Cytogenetic location: 5q35.3.
Variant type: single nucleotide variant.
Coding change: c.66A>C on transcript NM_022455.5 (MANE Select); coding-DNA position 66, A replaced by C.
Protein change: p.Leu22Phe; replaces leucine 22 with phenylalanine.
Molecular consequence: missense variant. On other transcripts: 5 prime UTR variant (7).
Genome position (GRCh38, 1-based): chr5:177,135,169, A>C. VCF-style: chr5-177135169-A-C. GRCh37 (hg19) VCF-style: chr5-176562170-A-C.
Other names: c.-68A>C (NM_001365684.2, NM_001409305.1, NM_001409306.1 and 4 more transcripts); c.66A>C, p.Leu22Phe (NM_001409301.1, NM_001409302.1, NM_001409303.1 and 1 more transcripts); short protein forms L22F.
Identifiers: ClinVar variation 4767498 (VCV004767498.1).
Genomic context (GRCh38, chr5:177,135,169, plus strand): 5'-TCAGACCTGTGAACTACCCAGAAGAAATTGTCTGCTGCCCTTTTCCAATCCAGTGAATTT[A>C]GATGCCCCTGAAGACAAGGACAGCCCTTTCGGTAATGGTCAATCCAATTTTTCTGAGCCA-3'
Protein context (NP_071900.2, residues 12-32): CLLPFSNPVN[Leu22Phe]DAPEDKDSPF

ClinVar aggregate classification (germline): Uncertain significance (1 of 4 stars; one submission).

Submission:

Labcorp Genetics (formerly Invitae), Labcorp
Classification: Uncertain significance. Last evaluated: 2025-03-23. Review status: criteria provided, single submitter. Criteria: Invitae Variant Classification Sherloc (09022015). Collection method: clinical testing. Allele origin: germline.
Comment: This sequence change replaces leucine, which is neutral and non-polar, with phenylalanine, which is neutral and non-polar, at codon 22 of the NSD1 protein (p.Leu22Phe). This variant is not present in population databases (gnomAD no frequency). This variant has not been reported in the literature in individuals affected with NSD1-related conditions. Invitae Evidence Modeling of protein sequence and biophysical properties (such as structural, functional, and spatial information, amino acid conservation, physicochemical variation, residue mobility, and thermodynamic stability) indicates that this missense variant is not expected to disrupt NSD1 protein function with a negative predictive value of 95%. In summary, the available evidence is currently insufficient to determine the role of this variant in disease. Therefore, it has been classified as a Variant of Uncertain Significance.